The following is an entry in ClinVar:

ClinVar aggregate classification (germline): Uncertain significance (1 of 4 stars; one submission).

gnomAD v4.1: 102 of 764,692 alleles (0.013%); highest among the groups gnomAD compares: South Asian, 0.1%; no homozygotes.

Submission:

Labcorp Genetics (formerly Invitae), Labcorp
Classification: Uncertain significance. Last evaluated: 2025-10-02. Review status: criteria provided, single submitter. Criteria: Invitae Variant Classification Sherloc (09022015). Collection method: clinical testing. Allele origin: germline.
Comment: This variant occurs in the SNORD118 gene, which encodes an RNA molecule that does not result in a protein product. This variant is present in population databases (rs569097222, gnomAD 0.1%). This variant has not been reported in the literature in individuals affected with SNORD118-related conditions. Experimental studies and prediction algorithms are not available or were not evaluated, and the functional significance of this variant is currently unknown. In summary, the available evidence is currently insufficient to determine the role of this variant in disease. Therefore, it has been classified as a Variant of Uncertain Significance.

NR_033294.2(SNORD118):n.114A>G

Genes: TMEM107 (transmembrane protein 107; minus strand), SNORD118 (small nucleolar RNA, C/D box 118; minus strand). Cytogenetic location: 17p13.1.
Variant type: single nucleotide variant.
Molecular consequence: non-coding transcript variant (on NR_033294.2). On other transcripts: 3 prime UTR variant (5).
Genome position: GRCh38 VCF-style: chr17-8173475-T-C. GRCh37 (hg19) VCF-style: chr17-8076793-T-C.
Other names: c.*728A>G (NM_001351278.2, NM_001351279.2, NM_001351280.2 and 2 more transcripts).
Identifiers: ClinVar variation 4708697 (VCV004708697.1).